The following is an entry in ClinVar:

ClinVar aggregate classification (germline): Uncertain significance. Review status: criteria provided, multiple submitters, no conflicts (2 of 4 stars). 3 submissions from 3 submitters: Uncertain significance (3). Last evaluated 2025-10-18.

Conditions:
Baller-Gerold syndrome (BGS). Also called: CRANIOSYNOSTOSIS WITH RADIAL DEFECTS. Identifiers: Orphanet 1225, MedGen C0265308, MONDO:0009039, OMIM 218600.
Inborn genetic diseases. Identifiers: MedGen C0950123, MeSH D030342.

Allele frequency attached by ClinVar (database versions not stated): gnomAD exomes below 0.00001; ExAC 0.00001; gnomAD 0.00001; TOPMed 0.00001.
gnomAD v4.1: 9 of 1,608,616 alleles (0.00056%); highest among the groups gnomAD compares: Middle Eastern, 0.016%; no homozygotes.

Submissions (3):

Labcorp Genetics (formerly Invitae), Labcorp
Classification: Uncertain significance for Baller-Gerold syndrome. Last evaluated: 2025-10-18. Review status: criteria provided, single submitter. Criteria: Invitae Variant Classification Sherloc (09022015). Collection method: clinical testing. Allele origin: germline.
Comment: This sequence change replaces serine, which is neutral and polar, with leucine, which is neutral and non-polar, at codon 225 of the RECQL4 protein (p.Ser225Leu). The frequency data for this variant in the population databases is considered unreliable, as metrics indicate poor data quality at this position in the gnomAD database. This variant has not been reported in the literature in individuals affected with RECQL4-related conditions. ClinVar contains an entry for this variant (Variation ID: 640554). Invitae Evidence Modeling of protein sequence and biophysical properties (such as structural, functional, and spatial information, amino acid conservation, physicochemical variation, residue mobility, and thermodynamic stability) indicates that this missense variant is not expected to disrupt RECQL4 protein function with a negative predictive value of 80%. In summary, the available evidence is currently insufficient to determine the role of this variant in disease. Therefore, it has been classified as a Variant of Uncertain Significance.

Ambry Genetics
Classification: Uncertain significance for Inborn genetic diseases. Last evaluated: 2024-12-05. Review status: criteria provided, single submitter. Criteria: Ambry Variant Classification Scheme 2023. Collection method: clinical testing. Allele origin: germline.
Comment: The p.S225L variant (also known as c.674C>T), located in coding exon 5 of the RECQL4 gene, results from a C to T substitution at nucleotide position 674. The serine at codon 225 is replaced by leucine, an amino acid with dissimilar properties. This amino acid position is conserved. In addition, this alteration is predicted to be tolerated by in silico analysis. Based on the available evidence, the clinical significance of this variant remains unclear.

Genetic Services Laboratory, University of Chicago
Classification: Uncertain significance. Last evaluated: 2018-12-21. Review status: criteria provided, single submitter. Criteria: ACMG Guidelines, 2015. Collection method: clinical testing. Allele origin: germline. Affected: no.

NM_004260.4(RECQL4):c.674C>T (p.Ser225Leu)

Gene: RECQL4 (RecQ like helicase 4; minus strand). Cytogenetic location: 8q24.3.
Variant type: single nucleotide variant.
Coding change: c.674C>T on transcript NM_004260.4 (MANE Select); coding-DNA position 674, C replaced by T.
Protein change: p.Ser225Leu; replaces serine 225 with leucine.
Molecular consequence: missense variant.
Genome position (GRCh38, 1-based): chr8:144,516,445, G>A on the plus strand (C>T on the coding strand, the complement: RECQL4 is on the minus strand). VCF-style: chr8-144516445-G-A. GRCh37 (hg19) VCF-style: chr8-145741829-G-A.
Other names: short protein forms S225L.
Identifiers: ClinVar variation 640554 (VCV000640554.12), dbSNP rs753959069, ClinGen allele CA4949213.